The following is an entry in ClinVar:

ClinVar aggregate classification (germline): Likely benign. Review status: criteria provided, single submitter (1 of 4 stars). 2 submissions from 2 submitters: Likely benign (1). 1 of the submissions does not count toward it. Last evaluated 2023-09-15.

Conditions:
UBQLN2-related disorder. Also called: UBQLN2-related condition.

Submissions (2):

Blueprint Genetics
Classification: Likely benign. Last evaluated: 2023-09-15. Review status: criteria provided, single submitter. Criteria: ACMG Guidelines, 2015. Collection method: clinical testing. Allele origin: germline.

PreventionGenetics, part of Exact Sciences
Classification: Likely benign for UBQLN2-related condition. Last evaluated: 2023-05-08. Review status: no assertion criteria provided. Collection method: clinical testing. Allele origin: germline. Not counted in ClinVar's aggregate classification.
Comment: This variant is classified as likely benign based on ACMG/AMP sequence variant interpretation guidelines (Richards et al. 2015 PMID: 25741868, with internal and published modifications).

NM_013444.4(UBQLN2):c.1437T>G (p.Gly479=)

Gene: UBQLN2 (ubiquilin 2; plus strand). Cytogenetic location: Xp11.21.
Variant type: single nucleotide variant.
Coding change: c.1437T>G on transcript NM_013444.4 (MANE Select); coding-DNA position 1437, T replaced by G.
Protein change: p.Gly479=; no amino-acid change (glycine 479 retained).
Molecular consequence: synonymous variant.
Genome position (GRCh38, 1-based): chrX:56,565,310, T>G. VCF-style: chrX-56565310-T-G. GRCh37 (hg19) VCF-style: chrX-56591743-T-G.
Identifiers: ClinVar variation 3029753 (VCV003029753.3), dbSNP rs775508681, ClinGen allele CA10430166.